The following is an entry in ClinVar:

NM_003041.4(SLC5A2):c.1555_1576del (p.Ala519fs)

Gene: SLC5A2 (solute carrier family 5 member 2; plus strand). Cytogenetic location: 16p11.2.
Variant type: Deletion.
Coding change: c.1555_1576del on transcript NM_003041.4 (MANE Select); coding-DNA positions 1555 to 1576, 22 bases deleted (GCTTTCCTCTGCGGCGTGCACT).
Protein change: p.Ala519fs; shifts the reading frame from alanine 519.
Molecular consequence: frameshift variant. On other transcripts: non-coding transcript variant (1).
Genome position (GRCh38, 1-based): chr16:31,489,228-31,489,249, GCTTTCCTCTGCGGCGTGCACT deleted. VCF-style (leftmost placement, unchanged base first): chr16-31489227-AGCTTTCCTCTGCGGCGTGCACT-A. GRCh37 (hg19) VCF-style: chr16-31500548-AGCTTTCCTCTGCGGCGTGCACT-A.
Other names: c.1555_1576del22 (NM_003041.3); short protein forms A519fs.
Identifiers: ClinVar variation 2577432 (VCV002577432.4), dbSNP rs764084563, ClinGen allele CA8031215.

ClinVar aggregate classification (germline): Pathogenic/Likely pathogenic. Review status: no assertion criteria provided (0 of 4 stars). 2 submissions from 2 submitters: Pathogenic (1); Likely pathogenic (1). Last evaluated 2023-12-11.

Conditions:
Familial renal glucosuria (GLYS). Also called: RENAL GLUCOSURIA, AUTOSOMAL DOMINANT; Familial renal glycosuria. Identifiers: Orphanet 69076, MedGen C3245525, MONDO:0009297, OMIM 233100.
SLC5A2-related disorder. Also called: SLC5A2-related condition.

Allele frequency attached by ClinVar (database versions not stated): ExAC 0.00001; gnomAD 0.00001; gnomAD exomes 0.00001; TOPMed 0.00001.

Submissions (2):

PreventionGenetics, part of Exact Sciences
Classification: Likely pathogenic for SLC5A2-related condition. Last evaluated: 2023-12-11. Review status: no assertion criteria provided. Collection method: clinical testing. Allele origin: germline.
Comment: The SLC5A2 c.1555_1576del22 variant is predicted to result in a frameshift and premature protein termination (p.Ala519Thrfs*71). To our knowledge, this variant has not been reported in the literature. This variant is reported in 0.0018% of alleles in individuals of European (Non-Finnish) descent in gnomAD. Frameshift variants in SLC5A2 are expected to be pathogenic. This variant is interpreted as likely pathogenic.

MVZ Medizinische Genetik Mainz
Classification: Pathogenic for Familial renal glucosuria. Last evaluated: 2022-03-29. Review status: no assertion criteria provided. Collection method: clinical testing. Allele origin: germline. Inheritance: Autosomal recessive inheritance. Affected: yes. Observed: 1 variant allele.